The following is an entry in ClinVar:

ClinVar aggregate classification (germline): Pathogenic. Review status: criteria provided, multiple submitters, no conflicts (2 of 4 stars). 2 submissions from 2 submitters: Pathogenic (2). Last evaluated 2026-01-06.

Conditions:
Cardiovascular phenotype. Identifiers: MedGen CN230736.
Hereditary cancer-predisposing syndrome. Also called: Neoplastic Syndromes, Hereditary; Hereditary neoplastic syndrome; Tumor predisposition; Hereditary Cancer Syndrome. Identifiers: Orphanet 140162, MedGen C0027672, MeSH D009386, MONDO:0015356.

Submissions (2):

Labcorp Genetics (formerly Invitae), Labcorp
Classification: Pathogenic. Last evaluated: 2026-01-06. Review status: criteria provided, single submitter. Criteria: Invitae Variant Classification Sherloc (09022015). Collection method: clinical testing. Allele origin: germline.
Comment: This sequence change creates a premature translational stop signal (p.Val492Serfs*177) in the LZTR1 gene. It is expected to result in an absent or disrupted protein product. Loss-of-function variants in LZTR1 are known to be pathogenic (PMID: 24362817, 25335493, 25480913, 25795793, 29469822, 30368668, 30442762, 30442766, 30481304, 30859559). This variant is present in population databases (no rsID available, gnomAD no frequency). This variant has not been reported in the literature in individuals affected with LZTR1-related conditions. ClinVar contains an entry for this variant (Variation ID: 2895131). For these reasons, this variant has been classified as Pathogenic.

Ambry Genetics
Classification: Pathogenic for Cardiovascular phenotype; Hereditary cancer-predisposing syndrome. Last evaluated: 2023-09-30. Review status: criteria provided, single submitter. Criteria: Ambry Variant Classification Scheme 2023. Collection method: clinical testing. Allele origin: germline.
Comment: The c.1472dupC pathogenic mutation, located in coding exon 14 of the LZTR1 gene, results from a duplication of C at nucleotide position 1472, causing a translational frameshift with a predicted alternate stop codon (p.V492Sfs*177). This alteration is expected to result in loss of function by premature protein truncation or nonsense-mediated mRNA decay. Loss-of-function variants in LZTR1 are related to an increased risk for schwannomas and autosomal recessive Noonan syndrome; however, such associations with autosomal dominant Noonan syndrome have not been observed (Piotrowski A et al. Nat Genet. 2014 Feb;46:182-7; Yamamoto GL et al. J Med Genet. 2015 Jun;52:413-21; Johnston JJ et al. Genet Med. 2018 10;20:1175-1185). Based on the supporting evidence, this variant is pathogenic for an increased risk of LZTR1-related schwannomatosis (SWN) and would be expected to cause autosomal recessive Noonan syndrome when present along with a second pathogenic or likely pathogenic variant on the other allele; however, the association of this alteration with autosomal dominant Noonan syndrome is unlikely.

Literature cited by the submitters: PubMed 24362817 (cited by Labcorp Genetics (formerly Invitae), Labcorp); PubMed 25335493 (cited by Labcorp Genetics (formerly Invitae), Labcorp); PubMed 25480913 (cited by Labcorp Genetics (formerly Invitae), Labcorp); PubMed 25795793 (cited by Labcorp Genetics (formerly Invitae), Labcorp); PubMed 29469822 (cited by Labcorp Genetics (formerly Invitae), Labcorp); PubMed 30368668 (cited by Labcorp Genetics (formerly Invitae), Labcorp); PubMed 30442762 (cited by Labcorp Genetics (formerly Invitae), Labcorp); PubMed 30442766 (cited by Labcorp Genetics (formerly Invitae), Labcorp); PubMed 30481304 (cited by Labcorp Genetics (formerly Invitae), Labcorp); PubMed 30859559 (cited by Labcorp Genetics (formerly Invitae), Labcorp).

NM_006767.4(LZTR1):c.1472dup (p.Val492fs)

Gene: LZTR1 (leucine zipper like post translational regulator 1; plus strand). Cytogenetic location: 22q11.21.
Variant type: Duplication.
Coding change: c.1472dup on transcript NM_006767.4 (MANE Select); coding-DNA position 1472, one base duplicated (C; older notation c.1472dupC).
Protein change: p.Val492fs; shifts the reading frame from valine 492.
Molecular consequence: frameshift variant.
Genome position (GRCh38, 1-based): chr22:20,994,126, C duplicated; the last of 4 consecutive C bases (chr22:20,994,123-20,994,126); duplicating any one gives the same sequence. VCF-style (leftmost placement, unchanged base first): chr22-20994122-G-GC. GRCh37 (hg19) VCF-style: chr22-21348411-G-GC.
Other names: c.1472dupC (NM_006767.3); short protein forms V492fs.
Identifiers: ClinVar variation 2895131 (VCV002895131.4), dbSNP rs775362512, ClinGen allele CA638942447.